The following is an entry in ClinVar:

ClinVar aggregate classification (germline): Uncertain significance. Review status: criteria provided, multiple submitters, no conflicts (2 of 4 stars). 5 submissions from 5 submitters: Uncertain significance (5). Last evaluated 2024-03-24.

Conditions:
Hereditary cancer-predisposing syndrome. Also called: Hereditary neoplastic syndrome; Neoplastic Syndromes, Hereditary; Tumor predisposition; Hereditary Cancer Syndrome. Identifiers: Orphanet 140162, MedGen C0027672, MeSH D009386, MONDO:0015356.
Classic or attenuated familial adenomatous polyposis. Identifiers: MedGen CN372698, MONDO:0021057.
Familial adenomatous polyposis 1 (FAP1). Also called: FAMILIAL ADENOMATOUS POLYPOSIS 1, ATTENUATED; POLYPOSIS, ADENOMATOUS INTESTINAL. Identifiers: MedGen C2713442, MONDO:0021056, OMIM 175100. Disease mechanism: loss of function.

Allele frequency attached by ClinVar (database versions not stated): TOPMed below 0.00001.

Submissions (5):

All of Us Research Program, National Institutes of Health
Classification: Uncertain significance for Classic or attenuated familial adenomatous polyposis. Last evaluated: 2024-03-24. Review status: criteria provided, single submitter. Criteria: ACMG Guidelines, 2015. Collection method: clinical testing. Allele origin: germline. Inheritance: Autosomal dominant inheritance. Observed: 2 variant alleles, 2 heterozygotes.
Comment: This missense variant replaces tyrosine with cysteine at codon 1615 of the APC protein. Computational prediction is inconclusive regarding the impact of this variant on protein structure and function (internally defined REVEL score threshold 0.5 < inconclusive < 0.7, PMID: 27666373). To our knowledge, functional studies have not been reported for this variant. This variant has not been reported in individuals affected with APC-related disorders in the literature. This variant has not been identified in the general population by the Genome Aggregation Database (gnomAD). The available evidence is insufficient to determine the role of this variant in disease conclusively. Therefore, this variant is classified as a Variant of Uncertain Significance.

This study involves interpretation of variants in research participants for the purpose of population health screening. Participant phenotype was not available at the time of variant classification. Additional details can be found in publication PMID: 35346344, PMCID: PMC8962531

Color Diagnostics, LLC DBA Color Health
Classification: Uncertain significance for Hereditary cancer-predisposing syndrome. Last evaluated: 2024-02-14. Review status: criteria provided, single submitter. Criteria: ACMG Guidelines, 2015. Collection method: clinical testing. Allele origin: germline.
Comment: This missense variant replaces tyrosine with cysteine at codon 1615 of the APC protein. Computational prediction is inconclusive regarding the impact of this variant on protein structure and function (internally defined REVEL score threshold 0.5 < inconclusive < 0.7, PMID: 27666373). To our knowledge, functional studies have not been reported for this variant. This variant has not been reported in individuals affected with APC-related disorders in the literature. This variant has not been identified in the general population by the Genome Aggregation Database (gnomAD). The available evidence is insufficient to determine the role of this variant in disease conclusively. Therefore, this variant is classified as a Variant of Uncertain Significance.

Labcorp Genetics (formerly Invitae), Labcorp
Classification: Uncertain significance for Familial adenomatous polyposis 1. Last evaluated: 2022-12-18. Review status: criteria provided, single submitter. Criteria: Invitae Variant Classification Sherloc (09022015). Collection method: clinical testing. Allele origin: germline.
Comment: This variant has not been reported in the literature in individuals affected with APC-related conditions. This variant is not present in population databases (gnomAD no frequency). This sequence change replaces tyrosine, which is neutral and polar, with cysteine, which is neutral and slightly polar, at codon 1615 of the APC protein (p.Tyr1615Cys). In summary, the available evidence is currently insufficient to determine the role of this variant in disease. Therefore, it has been classified as a Variant of Uncertain Significance. Advanced modeling of protein sequence and biophysical properties (such as structural, functional, and spatial information, amino acid conservation, physicochemical variation, residue mobility, and thermodynamic stability) performed at Invitae indicates that this missense variant is not expected to disrupt APC protein function. ClinVar contains an entry for this variant (Variation ID: 246450).

Ambry Genetics
Classification: Uncertain significance for Hereditary cancer-predisposing syndrome. Last evaluated: 2022-08-22. Review status: criteria provided, single submitter. Criteria: Ambry Variant Classification Scheme 2023. Collection method: clinical testing. Allele origin: germline.
Comment: The p.Y1615C variant (also known as c.4844A>G), located in coding exon 15 of the APC gene, results from an A to G substitution at nucleotide position 4844. The tyrosine at codon 1615 is replaced by cysteine, an amino acid with highly dissimilar properties. This amino acid position is conserved. In addition, in silico predictors for this gene do not accurately predict pathogenicity. Since supporting evidence is limited at this time, the clinical significance of this alteration remains unclear.

GeneDx
Classification: Uncertain significance. Last evaluated: 2022-04-18. Review status: criteria provided, single submitter. Criteria: GeneDx Variant Classification Process June 2021. Collection method: clinical testing. Allele origin: germline. Affected: yes.
Comment: Not observed at significant frequency in large population cohorts (gnomAD); In silico analysis supports that this missense variant has a deleterious effect on protein structure/function; Has not been previously published as pathogenic or benign to our knowledge; This variant is associated with the following publications: (PMID: 27535533, 18199528)

NM_000038.6(APC):c.4844A>G (p.Tyr1615Cys)

Gene: APC (APC regulator of Wnt signaling pathway; plus strand). Cytogenetic location: 5q22.2.
Variant type: single nucleotide variant.
Coding change: c.4844A>G on transcript NM_000038.6 (MANE Select); coding-DNA position 4844, A replaced by G.
Protein change: p.Tyr1615Cys; replaces tyrosine 1615 with cysteine.
Molecular consequence: missense variant.
Genome position (GRCh38, 1-based): chr5:112,840,438, A>G. VCF-style: chr5-112840438-A-G. GRCh37 (hg19) VCF-style: chr5-112176135-A-G.
Other names: c.4874A>G, p.Tyr1625Cys (NM_001354897.2); c.4769A>G, p.Tyr1590Cys (NM_001354898.2); c.4844A>G, p.Tyr1615Cys (NM_001127510.3, NM_001354895.2); c.4790A>G, p.Tyr1597Cys (NM_001127511.3); c.4898A>G, p.Tyr1633Cys (NM_001354896.2); c.4760A>G, p.Tyr1587Cys (NM_001354899.2); c.4721A>G, p.Tyr1574Cys (NM_001354900.2); c.4667A>G, p.Tyr1556Cys (NM_001354901.2); and 5 more; short protein forms Y1597C, Y1615C, Y1455C, Y1524C, Y1625C, Y1489C, Y1587C, Y1332C.
Identifiers: ClinVar variation 246450 (VCV000246450.22), dbSNP rs879254265, ClinGen allele CA10584254.
Genomic context (GRCh38, chr5:112,840,438, plus strand): 5'-CCCAGACTGCTTCAAAATTACCTCCACCTGTGGCAAGGAAACCAAGTCAGCTGCCTGTGT[A>G]CAAACTTCTACCATCACAAAACAGGTTGCAACCCCAAAAGCATGTTAGTTTTACACCGGG-3'
Protein context (NP_000029.2, residues 1605-1625): VARKPSQLPV[Tyr1615Cys]KLLPSQNRLQ